The following is an entry in ClinVar:

ClinVar aggregate classification (germline): Uncertain significance. Review status: criteria provided, multiple submitters, no conflicts (2 of 4 stars). 2 submissions from 2 submitters: Uncertain significance (2). Last evaluated 2025-11-19.

Conditions:
Inborn genetic diseases. Identifiers: MedGen C0950123, MeSH D030342.
Acyl-CoA oxidase deficiency. Also called: Peroxisomal acyl-CoA oxidase deficiency; STRAIGHT-CHAIN ACYL-CoA OXIDASE DEFICIENCY; Pseudoneonatal adrenoleukodystrophy. Identifiers: Orphanet 2971, MedGen C1849678, MONDO:0009919, OMIM 264470. Disease mechanism: loss of function.

Allele frequency attached by ClinVar (database versions not stated): gnomAD 0.00001; gnomAD exomes 0.00001; TOPMed 0.00001; ExAC 0.00002.
gnomAD v4.1: 9 of 1,614,076 alleles (0.00056%); highest among the groups gnomAD compares: East Asian, 0.0045%; no homozygotes.

Submissions (2):

Ambry Genetics
Classification: Uncertain significance for Inborn genetic diseases. Last evaluated: 2025-11-19. Review status: criteria provided, single submitter. Criteria: Ambry Variant Classification Scheme 2023. Collection method: clinical testing. Allele origin: germline.

Labcorp Genetics (formerly Invitae), Labcorp
Classification: Uncertain significance for Acyl-CoA oxidase deficiency. Last evaluated: 2022-05-28. Review status: criteria provided, single submitter. Criteria: Invitae Variant Classification Sherloc (09022015). Collection method: clinical testing. Allele origin: germline.
Comment: This sequence change replaces arginine, which is basic and polar, with histidine, which is basic and polar, at codon 122 of the ACOX1 protein (p.Arg122His). This variant is present in population databases (rs768462369, gnomAD 0.005%). This variant has not been reported in the literature in individuals affected with ACOX1-related conditions. ClinVar contains an entry for this variant (Variation ID: 1479484). Algorithms developed to predict the effect of missense changes on protein structure and function output the following: SIFT: "Tolerated"; PolyPhen-2: "Benign"; Align-GVGD: "Class C0". The histidine amino acid residue is found in multiple mammalian species, which suggests that this missense change does not adversely affect protein function. In summary, the available evidence is currently insufficient to determine the role of this variant in disease. Therefore, it has been classified as a Variant of Uncertain Significance.

NM_004035.7(ACOX1):c.365G>A (p.Arg122His)

Gene: ACOX1 (acyl-CoA oxidase 1; minus strand). Cytogenetic location: 17q25.1.
Variant type: single nucleotide variant.
Coding change: c.365G>A on transcript NM_004035.7 (MANE Select); coding-DNA position 365, G replaced by A.
Protein change: p.Arg122His; replaces arginine 122 with histidine.
Molecular consequence: missense variant. On other transcripts: intron variant (1).
Genome position (GRCh38, 1-based): chr17:75,960,280, C>T on the plus strand (G>A on the coding strand, the complement: ACOX1 is on the minus strand). VCF-style: chr17-75960280-C-T. GRCh37 (hg19) VCF-style: chr17-73956361-C-T.
Other names: c.365G>A (NM_004035.6); c.251G>A, p.Arg84His (NM_001185039.2); c.431-2714G>A (NM_007292.6); short protein forms R84H, R122H.
Identifiers: ClinVar variation 1479484 (VCV001479484.4), dbSNP rs768462369, ClinGen allele CA8777040.